The following is an entry in ClinVar:

NC_000004.12:g.1395117G>A

Genes: CRIPAK (cysteine rich PAK1 inhibitor; plus strand), UVSSA (UV stimulated scaffold protein A; plus strand), LOC126806945 (P300/CBP strongly-dependent group 1 enhancer GRCh37_chr4:1388225-1389424; plus strand). Cytogenetic location: 4p16.3.
Variant type: single nucleotide variant.
Genome position: GRCh38 VCF-style: chr4-1395117-G-A. GRCh37 (hg19) VCF-style: chr4-1388905-G-A.
Identifiers: ClinVar variation 3388700 (VCV003388700.14).

ClinVar aggregate classification (germline): Likely benign (1 of 4 stars; one submission).

Submission:

CeGaT Center for Human Genetics Tuebingen
Classification: Likely benign. Last evaluated: 2025-08-01. Review status: criteria provided, single submitter. Criteria: CeGaT Center For Human Genetics Tuebingen Variant Classification Criteria Version 2. Collection method: clinical testing. Allele origin: germline. Affected: yes. Observed: 3 variant alleles.
Comment: CRIPAK: BP4, BP7